The following is an entry in ClinVar:

ClinVar aggregate classification (germline): Likely pathogenic (1 of 4 stars; one submission).

Conditions:
Sifrim-Hitz-Weiss syndrome (SIHIWES). Also called: SIFRIM-HITZ-WEISS MULTIPLE CONGENITAL ANOMALIES-MENTAL RETARDATION SYNDROME; CHD4 Neurodevelopmental Disorder. Identifiers: Orphanet 653712, MedGen C4310688, MONDO:0014946, OMIM 617159.

Submission:

Johns Hopkins Genomics, Johns Hopkins University
Classification: Likely pathogenic for Sifrim-Hitz-Weiss syndrome. Last evaluated: 2023-08-12. Review status: criteria provided, single submitter. Criteria: ACMG Guidelines, 2015. Collection method: clinical testing. Allele origin: germline.
Comment: This CHD4 variant is absent from a large population dataset and has not been reported in ClinVar nor the literature, to our knowledge. Two bioinformatic tools queried predict that this substitution would be damaging, and the aspartic acid residue at this position is strongly conserved across the vertebrate species assessed. Bioinformatic analysis predicts that this missense variant would not affect normal exon 8 splicing, although this has not been confirmed experimentally to our knowledge. T We consider c.997G>T (p.Asp333Tyr) to be likely pathogenic for CHD4-neurodevelopmental disorder.

Literature cited by the submitters: PubMed 27616479; PubMed 31388190; PubMed 32881470.

NM_001273.5(CHD4):c.997G>T (p.Asp333Tyr)

Gene: CHD4 (chromodomain helicase DNA binding protein 4; minus strand). Cytogenetic location: 12p13.31.
Variant type: single nucleotide variant.
Coding change: c.997G>T on transcript NM_001273.5 (MANE Select); coding-DNA position 997, G replaced by T.
Protein change: p.Asp333Tyr; replaces aspartic acid 333 with tyrosine.
Molecular consequence: missense variant.
Genome position (GRCh38, 1-based): chr12:6,600,600, C>A on the plus strand (G>T on the coding strand, the complement: CHD4 is on the minus strand). VCF-style: chr12-6600600-C-A. GRCh37 (hg19) VCF-style: chr12-6709766-C-A.
Other names: c.976G>T, p.Asp326Tyr (NM_001297553.2); c.997G>T, p.Asp333Tyr (NM_001363606.2); short protein forms D326Y, D333Y.
Identifiers: ClinVar variation 2690919 (VCV002690919.1), dbSNP rs2540412378, ClinGen allele CA383601861.